The following is an entry in ClinVar:

ClinVar aggregate classification (germline): Uncertain significance (1 of 4 stars; one submission).

Submission:

Labcorp Genetics (formerly Invitae), Labcorp
Classification: Uncertain significance. Last evaluated: 2024-06-17. Review status: criteria provided, single submitter. Criteria: Invitae Variant Classification Sherloc (09022015). Collection method: clinical testing. Allele origin: germline.
Comment: This sequence change replaces phenylalanine, which is neutral and non-polar, with serine, which is neutral and polar, at codon 937 of the INTU protein (p.Phe937Ser). This variant is not present in population databases (gnomAD no frequency). This variant has not been reported in the literature in individuals affected with INTU-related conditions. Advanced modeling of protein sequence and biophysical properties (such as structural, functional, and spatial information, amino acid conservation, physicochemical variation, residue mobility, and thermodynamic stability) performed at Invitae indicates that this missense variant is not expected to disrupt INTU protein function with a negative predictive value of 80%. In summary, the available evidence is currently insufficient to determine the role of this variant in disease. Therefore, it has been classified as a Variant of Uncertain Significance.

NM_015693.4(INTU):c.2810T>C (p.Phe937Ser)

Gene: INTU (inturned planar cell polarity protein; plus strand). Cytogenetic location: 4q28.1.
Variant type: single nucleotide variant.
Coding change: c.2810T>C on transcript NM_015693.4 (MANE Select); coding-DNA position 2810, T replaced by C.
Protein change: p.Phe937Ser; replaces phenylalanine 937 with serine.
Molecular consequence: missense variant.
Genome position (GRCh38, 1-based): chr4:127,716,417, T>C. VCF-style: chr4-127716417-T-C. GRCh37 (hg19) VCF-style: chr4-128637572-T-C.
Other names: short protein forms F937S.
Identifiers: ClinVar variation 2828767 (VCV002828767.3), dbSNP rs2531049330, ClinGen allele CA358145471.